The following is an entry in ClinVar:

ClinVar aggregate classification (germline): Benign/Likely benign. Review status: criteria provided, multiple submitters, no conflicts (2 of 4 stars). 6 submissions from 6 submitters: Benign (1); Likely benign (4). 1 of the submissions does not count toward it. Last evaluated 2026-02-01.

Conditions:
SLX4-related disorder. Also called: SLX4-related condition.
Fanconi anemia complementation group P. Also called: SLX4-Related Fanconi Anemia. Identifiers: Orphanet 84, MedGen C3469542, MONDO:0013499, OMIM 613951.
Fanconi anemia (FA). Also called: Fanconi's anemia. Identifiers: Orphanet 84, MedGen C0015625, MeSH D005199, MONDO:0019391.

Allele frequency attached by ClinVar (database versions not stated): gnomAD 0.00019 and 0.00032; TOPMed 0.00028; gnomAD exomes 0.00039 and 0.00062; ExAC 0.00066; 1000 Genomes Project 0.00240; 1000 Genomes Project 30x 0.00265.

Submissions (6):

Labcorp Genetics (formerly Invitae), Labcorp
Classification: Likely benign for Fanconi anemia. Last evaluated: 2026-02-01. Review status: criteria provided, single submitter. Criteria: Invitae Variant Classification Sherloc (09022015). Collection method: clinical testing. Allele origin: germline.

KCCC/NGS Laboratory, Kuwait Cancer Control Center
Classification: Benign for Fanconi anemia complementation group P. Last evaluated: 2025-02-01. Review status: criteria provided, single submitter. Criteria: ACMG Guidelines, 2015. Collection method: clinical testing. Allele origin: germline. Affected: no.

Sema4
Classification: Likely benign for Fanconi anemia. Last evaluated: 2021-12-15. Review status: criteria provided, single submitter. Criteria: Sema4 Curation Guidelines. Collection method: curation. Allele origin: germline.

Genetic Services Laboratory, University of Chicago
Classification: Likely benign. Last evaluated: 2020-04-27. Review status: criteria provided, single submitter. Criteria: ACMG Guidelines, 2015. Collection method: clinical testing. Allele origin: germline. Affected: no.

GeneDx
Classification: Likely benign. Last evaluated: 2017-08-28. Review status: criteria provided, single submitter. Criteria: GeneDx Variant Classification (06012015). Collection method: clinical testing. Allele origin: germline. Affected: yes.
Comment: This variant is considered likely benign or benign based on one or more of the following criteria: it is a conservative change, it occurs at a poorly conserved position in the protein, it is predicted to be benign by multiple in silico algorithms, and/or has population frequency not consistent with disease.

PreventionGenetics, part of Exact Sciences
Classification: Benign for SLX4-related condition. Last evaluated: 2019-10-28. Review status: no assertion criteria provided. Collection method: clinical testing. Allele origin: germline. Not counted in ClinVar's aggregate classification.
Comment: This variant is classified as benign based on ACMG/AMP sequence variant interpretation guidelines (Richards et al. 2015 PMID: 25741868, with internal and published modifications).

NM_032444.4(SLX4):c.3583_3585del (p.Ile1195del)

Gene: SLX4 (SLX4 structure-specific endonuclease subunit; minus strand). Cytogenetic location: 16p13.3.
Variant type: Deletion.
Coding change: c.3583_3585del on transcript NM_032444.4 (MANE Select); coding-DNA positions 3583 to 3585, 3 bases deleted (ATT; older notation c.3583_3585delATT).
Protein change: p.Ile1195del; deletes isoleucine 1195.
Molecular consequence: inframe deletion.
Genome position (GRCh38, 1-based): chr16:3,590,053-3,590,055, AAT deleted on the plus strand (ATT on the coding strand, the reverse complement: SLX4 is on the minus strand). VCF-style (leftmost placement, unchanged base first): chr16-3590052-CAAT-C. GRCh37 (hg19) VCF-style: chr16-3640053-CAAT-C.
Other names: c.3583_3585del (LRG_503t1, NM_032444.2); c.3583_3585delATT (NM_032444.3); short protein forms I1195del.
Identifiers: ClinVar variation 220193 (VCV000220193.18), dbSNP rs199897550, ClinGen allele CA349666.